The following is an entry in ClinVar:

NM_152703.5(SAMD9L):c.3917T>A (p.Leu1306His)

Gene: SAMD9L (sterile alpha motif domain containing 9 like; minus strand). Cytogenetic location: 7q21.2.
Variant type: single nucleotide variant.
Coding change: c.3917T>A on transcript NM_152703.5 (MANE Select); coding-DNA position 3917, T replaced by A.
Protein change: p.Leu1306His; replaces leucine 1306 with histidine.
Molecular consequence: missense variant.
Genome position (GRCh38, 1-based): chr7:93,132,055, A>T on the plus strand (T>A on the coding strand, the complement: SAMD9L is on the minus strand). VCF-style: chr7-93132055-A-T. GRCh37 (hg19) VCF-style: chr7-92761368-A-T.
Other names: c.3917T>A, p.Leu1306His (NM_001303496.3, NM_001303497.3, NM_001303498.3 and 5 more transcripts); short protein forms L1306H.
Identifiers: ClinVar variation 5028843 (VCV005028843.1).

ClinVar aggregate classification (germline): Uncertain significance (1 of 4 stars; one submission).

Conditions:
Inborn genetic diseases. Identifiers: MedGen C0950123, MeSH D030342.

Submission:

Ambry Genetics
Classification: Uncertain significance for Inborn genetic diseases. Last evaluated: 2026-06-20. Review status: criteria provided, single submitter. Criteria: Ambry Variant Classification Scheme 2023. Collection method: clinical testing. Allele origin: germline.
Comment: The p.L1306H variant (also known as c.3917T>A), located in coding exon 1 of the SAMD9L gene, results from a T to A substitution at nucleotide position 3917. The leucine at codon 1306 is replaced by histidine, an amino acid with similar properties. This amino acid position is conserved. In addition, this alteration is predicted to be tolerated by in silico analysis. Based on the available evidence, the clinical significance of this variant remains unclear.